The following is an entry in ClinVar:

ClinVar aggregate classification (germline): Uncertain significance (1 of 4 stars; one submission).

Conditions:
Hereditary cancer-predisposing syndrome. Also called: Tumor predisposition; Neoplastic Syndromes, Hereditary; Hereditary neoplastic syndrome; Hereditary Cancer Syndrome. Identifiers: Orphanet 140162, MedGen C0027672, MeSH D009386, MONDO:0015356.

Submission:

Ambry Genetics
Classification: Uncertain significance for Hereditary cancer-predisposing syndrome. Last evaluated: 2025-08-27. Review status: criteria provided, single submitter. Criteria: Ambry Variant Classification Scheme 2023. Collection method: clinical testing. Allele origin: germline.
Comment: The p.K41N variant (also known as c.123G>C), located in coding exon 2 of the MUTYH gene, results from a G to C substitution at nucleotide position 123. The lysine at codon 41 is replaced by asparagine, an amino acid with similar properties. This amino acid position is conserved. In addition, this alteration is predicted to be tolerated by in silico analysis. Based on the available evidence, the clinical significance of this variant remains unclear.

NM_001048174.2(MUTYH):c.81G>C (p.Lys27Asn)

Gene: MUTYH (mutY DNA glycosylase; minus strand). Cytogenetic location: 1p34.1.
Variant type: single nucleotide variant.
Coding change: c.81G>C on transcript NM_001048174.2 (MANE Select); coding-DNA position 81, G replaced by C.
Protein change: p.Lys27Asn; replaces lysine 27 with asparagine.
Molecular consequence: missense variant. On other transcripts: 5 prime UTR variant (7), non-coding transcript variant (7).
Genome position (GRCh38, 1-based): chr1:45,334,425, C>G on the plus strand (G>C on the coding strand, the complement: MUTYH is on the minus strand). VCF-style: chr1-45334425-C-G. GRCh37 (hg19) VCF-style: chr1-45800097-C-G.
Other names: c.81G>C, p.Lys27Asn (NM_001048171.2, NM_001048172.2, NM_001048173.2 and 15 more transcripts); c.123G>C, p.Lys41Asn (NM_001128425.2, NM_001293190.2, NM_001407069.1 and 2 more transcripts); c.-132G>C (NM_001293192.2, NM_001293196.2, NM_001407091.1); c.-191G>C (NM_001350650.2); c.-127G>C (NM_001350651.2, NM_001407082.1); c.-76G>C (NM_001407075.1); c.99G>C, p.Lys33Asn (NM_001407087.1); short protein forms K33N, K41N, K27N.
Identifiers: ClinVar variation 4113119 (VCV004113119.1).